The following is an entry in ClinVar:

ClinVar aggregate classification (germline): Benign. Review status: criteria provided, multiple submitters, no conflicts (2 of 4 stars). 8 submissions from 8 submitters: Benign (8). Last evaluated 2026-02-01.

Conditions:
Autosomal recessive nonsyndromic hearing loss 29. Identifiers: Orphanet 90636, MedGen C3279660, MONDO:0013537, OMIM 614035.

Allele frequency attached by ClinVar (database versions not stated): 1000 Genomes Project 0.19010; 1000 Genomes Project 30x 0.19582; gnomAD exomes 0.21223 and 0.24270; ExAC 0.21609; gnomAD 0.25041 and 0.25678; TOPMed 0.25147; ESP Exome Variant Server 0.27626.
gnomAD v4.1: 392,133 of 1,613,114 alleles (24%); highest among the groups gnomAD compares: African/African-American, 31%; 50,317 homozygotes.

Submissions (8):

Labcorp Genetics (formerly Invitae), Labcorp
Classification: Benign. Last evaluated: 2026-02-01. Review status: criteria provided, single submitter. Criteria: Invitae Variant Classification Sherloc (09022015). Collection method: clinical testing. Allele origin: germline.

Genome-Nilou Lab
Classification: Benign for Autosomal recessive nonsyndromic hearing loss 29. Last evaluated: 2021-07-22. Review status: criteria provided, single submitter. Criteria: ACMG Guidelines, 2015. Collection method: clinical testing. Allele origin: germline. Affected: no.

Mayo Clinic Laboratories, Mayo Clinic
Classification: Benign. Last evaluated: 2019-05-24. Review status: criteria provided, single submitter. Criteria: ACMG Guidelines, 2015. Collection method: clinical testing. Allele origin: germline. Observed: 73 variant alleles.

Illumina Laboratory Services, Illumina
Classification: Benign for Autosomal recessive nonsyndromic hearing loss 29. Last evaluated: 2018-01-12. Review status: criteria provided, single submitter. Criteria: ICSL Variant Classification Criteria 13 December 2019. Collection method: clinical testing. Allele origin: germline.
Comment: This variant was observed in the ICSL laboratory as part of a predisposition screen in an ostensibly healthy population. It had not been previously curated by ICSL or reported in the Human Gene Mutation Database (HGMD: prior to June 1st, 2018), and was therefore a candidate for classification through an automated scoring system. Utilizing variant allele frequency, disease prevalence and penetrance estimates, and inheritance mode, an automated score was calculated to assess if this variant is too frequent to cause the disease. Based on the score and internal cut-off values, a variant classified as benign is not then subjected to further curation. The score for this variant resulted in a classification of benign for this disease.

GeneDx
Classification: Benign. Last evaluated: 2017-06-01. Review status: criteria provided, single submitter. Criteria: GeneDx Variant Classification (06012015). Collection method: clinical testing. Allele origin: germline. Affected: yes.
Comment: This variant is considered likely benign or benign based on one or more of the following criteria: it is a conservative change, it occurs at a poorly conserved position in the protein, it is predicted to be benign by multiple in silico algorithms, and/or has population frequency not consistent with disease.

Laboratory for Molecular Medicine, Mass General Brigham Personalized Medicine
Classification: Benign. Last evaluated: 2012-05-07. Review status: criteria provided, single submitter. Criteria: LMM Criteria. Collection method: clinical testing. Allele origin: germline. Observed: 666 variant alleles.
Comment: "Arg81Arg in Exon 03 of CLDN14: This variant is not expected to have clinical si gnificance because it does not alter an amino acid residue, is not located withi n the splice consensus sequence, and has been identified in 31.1% (1163/3738) of African American chromosomes from a broad population by the NHLBI Exome Sequenc ing Project (dbSNP rs219779)."

Breakthrough Genomics
Classification: Benign. Review status: criteria provided, single submitter. Criteria: ACMG Guidelines, 2015. Collection method: not provided. Allele origin: germline. Inheritance: Autosomal recessive inheritance. Affected: yes.

PreventionGenetics, part of Exact Sciences
Classification: Benign. Review status: criteria provided, single submitter. Criteria: ACMG Guidelines, 2015. Collection method: clinical testing. Allele origin: germline.

NM_001146079.2(CLDN14):c.243C>T (p.Arg81=)

Genes: CLDN14 (claudin 14; minus strand), CLDN14-AS1 (CLDN14 antisense RNA 1; plus strand). Cytogenetic location: 21q22.13.
Variant type: single nucleotide variant.
Coding change: c.243C>T on transcript NM_001146079.2 (MANE Select); coding-DNA position 243, C replaced by T.
Protein change: p.Arg81=; no amino-acid change (arginine 81 retained).
Molecular consequence: synonymous variant.
Genome position (GRCh38, 1-based): chr21:36,461,453, G>A on the plus strand (C>T on the coding strand, the complement: CLDN14 is on the minus strand). VCF-style: chr21-36461453-G-A. GRCh37 (hg19) VCF-style: chr21-37833751-G-A.
Other names: p.Arg81=; c.243C>T, p.Arg81= (NM_001146077.2, NM_001146078.3, NM_012130.4 and 1 more transcripts).
Identifiers: ClinVar variation 44084 (VCV000044084.21), dbSNP rs219779, ClinGen allele CA133524.